The following is an entry in ClinVar:

ClinVar aggregate classification (germline): Uncertain significance (1 of 4 stars; one submission).

Conditions:
Familial thoracic aortic aneurysm and aortic dissection (TAAD). Also called: Thoracic aortic aneurysms and dissections. Identifiers: Orphanet 91387, MedGen C4707243, MONDO:0019625.

Submission:

Ambry Genetics
Classification: Uncertain significance for Familial thoracic aortic aneurysm and aortic dissection. Last evaluated: 2024-04-15. Review status: criteria provided, single submitter. Criteria: Ambry Variant Classification Scheme 2023. Collection method: clinical testing. Allele origin: germline.
Comment: The p.E255* variant (also known as c.763G>T), located in coding exon 6 of the ACTA2 gene, results from a G to T substitution at nucleotide position 763. This changes the amino acid from a glutamic acid to a stop codon within coding exon 6. This alteration is expected to result in protein truncation or nonsense-mediated mRNA decay. However, loss of function of ACTA2 has not been established as a mechanism of disease. Based on the available evidence, the clinical significance of this alteration remains unclear.

NM_001613.4(ACTA2):c.763G>T (p.Glu255Ter)

Genes: ACTA2 (actin alpha 2, smooth muscle; minus strand), ACTA2-AS1 (ACTA2 antisense RNA 1; plus strand). Cytogenetic location: 10q23.31.
Variant type: single nucleotide variant.
Coding change: c.763G>T on transcript NM_001613.4 (MANE Select); coding-DNA position 763, G replaced by T.
Protein change: p.Glu255Ter; replaces glutamic acid 255 with a stop codon.
Molecular consequence: nonsense. On other transcripts: non-coding transcript variant (1), intron variant (1).
Genome position (GRCh38, 1-based): chr10:88,939,552, C>A on the plus strand (G>T on the coding strand, the complement: ACTA2 is on the minus strand). VCF-style: chr10-88939552-C-A. GRCh37 (hg19) VCF-style: chr10-90699309-C-A.
Other names: c.763G>T, p.Glu255Ter (NM_001141945.3, NM_001320855.2, NM_001406462.1 and 2 more transcripts); c.652G>T, p.Glu218Ter (NM_001406466.1); c.634G>T, p.Glu212Ter (NM_001406467.1, NM_001406468.1, NM_001406469.1); c.617-1310G>T (NM_001406471.1); short protein forms E218*, E255*, E212*.
Identifiers: ClinVar variation 3263585 (VCV003263585.1).